The following is an entry in ClinVar:

ClinVar aggregate classification (germline): Uncertain significance (1 of 4 stars; one submission).

Allele frequency attached by ClinVar (database versions not stated): TOPMed below 0.00001.

Submission:

Labcorp Genetics (formerly Invitae), Labcorp
Classification: Uncertain significance. Last evaluated: 2022-03-04. Review status: criteria provided, single submitter. Criteria: Invitae Variant Classification Sherloc (09022015). Collection method: clinical testing. Allele origin: germline.
Comment: This sequence change replaces tryptophan, which is neutral and slightly polar, with cysteine, which is neutral and slightly polar, at codon 253 of the CNGB3 protein (p.Trp253Cys). This variant is not present in population databases (gnomAD no frequency). This variant has not been reported in the literature in individuals affected with CNGB3-related conditions. Advanced modeling of protein sequence and biophysical properties (such as structural, functional, and spatial information, amino acid conservation, physicochemical variation, residue mobility, and thermodynamic stability) performed at Invitae indicates that this missense variant is expected to disrupt CNGB3 protein function. In summary, the available evidence is currently insufficient to determine the role of this variant in disease. Therefore, it has been classified as a Variant of Uncertain Significance.

NM_019098.5(CNGB3):c.759G>T (p.Trp253Cys)

Gene: CNGB3 (cyclic nucleotide gated channel subunit beta 3; minus strand). Cytogenetic location: 8q21.3.
Variant type: single nucleotide variant.
Coding change: c.759G>T on transcript NM_019098.5 (MANE Select); coding-DNA position 759, G replaced by T.
Protein change: p.Trp253Cys; replaces tryptophan 253 with cysteine.
Molecular consequence: missense variant.
Genome position (GRCh38, 1-based): chr8:86,667,018, C>A on the plus strand (G>T on the coding strand, the complement: CNGB3 is on the minus strand). VCF-style: chr8-86667018-C-A. GRCh37 (hg19) VCF-style: chr8-87679246-C-A.
Other names: short protein forms W253C.
Identifiers: ClinVar variation 2106857 (VCV002106857.4), dbSNP rs1823753160, ClinGen allele CA371449442.